The following is an entry in ClinVar:

ClinVar aggregate classification (germline): Uncertain significance. Review status: criteria provided, multiple submitters, no conflicts (2 of 4 stars). 2 submissions from 2 submitters: Uncertain significance (2). Last evaluated 2024-01-27.

Conditions:
Ataxia-telangiectasia syndrome (AT). Also called: Ataxia-telangiectasia; AT, COMPLEMENTATION GROUP C; ATAXIA-TELANGIECTASIA, COMPLEMENTATION GROUP A; ATAXIA-TELANGIECTASIA, FRESNO VARIANT; Ataxia-telangiectasia, complementation group E; LOUIS-BAR SYNDROME. Identifiers: Orphanet 100, MedGen C0004135, MONDO:0008840, OMIM 208900.
Hereditary cancer-predisposing syndrome. Also called: Tumor predisposition; Hereditary Cancer Syndrome; Neoplastic Syndromes, Hereditary; Hereditary neoplastic syndrome. Identifiers: Orphanet 140162, MedGen C0027672, MeSH D009386, MONDO:0015356.

gnomAD v4.1: 2 of 1,613,682 alleles (0.00012%); highest among the groups gnomAD compares: South Asian, 0.0022%; no homozygotes.

Submissions (2):

Ambry Genetics
Classification: Uncertain significance for Hereditary cancer-predisposing syndrome. Last evaluated: 2024-01-27. Review status: criteria provided, single submitter. Criteria: Ambry Variant Classification Scheme 2023. Collection method: clinical testing. Allele origin: germline.
Comment: The p.S1037Y variant (also known as c.3110C>A), located in coding exon 20 of the ATM gene, results from a C to A substitution at nucleotide position 3110. The serine at codon 1037 is replaced by tyrosine, an amino acid with dissimilar properties. This amino acid position is conserved. In addition, this alteration is predicted to be tolerated by in silico analysis. Based on the available evidence, the clinical significance of this alteration remains unclear.

Labcorp Genetics (formerly Invitae), Labcorp
Classification: Uncertain significance for Ataxia-telangiectasia syndrome. Last evaluated: 2022-10-03. Review status: criteria provided, single submitter. Criteria: Invitae Variant Classification Sherloc (09022015). Collection method: clinical testing. Allele origin: germline.
Comment: This variant has not been reported in the literature in individuals affected with ATM-related conditions. In summary, the available evidence is currently insufficient to determine the role of this variant in disease. Therefore, it has been classified as a Variant of Uncertain Significance. Algorithms developed to predict the effect of missense changes on protein structure and function are either unavailable or do not agree on the potential impact of this missense change (SIFT: "Deleterious"; PolyPhen-2: "Possibly Damaging"; Align-GVGD: "Class C0"). This variant is not present in population databases (gnomAD no frequency). This sequence change replaces serine, which is neutral and polar, with tyrosine, which is neutral and polar, at codon 1037 of the ATM protein (p.Ser1037Tyr).

NM_000051.4(ATM):c.3110C>A (p.Ser1037Tyr)

Gene: ATM (ATM serine/threonine kinase; plus strand). Cytogenetic location: 11q22.3.
Variant type: single nucleotide variant.
Coding change: c.3110C>A on transcript NM_000051.4 (MANE Select); coding-DNA position 3110, C replaced by A.
Protein change: p.Ser1037Tyr; replaces serine 1037 with tyrosine.
Molecular consequence: missense variant.
Genome position (GRCh38, 1-based): chr11:108,272,564, C>A. VCF-style: chr11-108272564-C-A. GRCh37 (hg19) VCF-style: chr11-108143291-C-A.
Other names: c.3110C>A, p.Ser1037Tyr (NM_001351834.2); short protein forms S1037Y.
Identifiers: ClinVar variation 2116248 (VCV002116248.5), dbSNP rs1555085821, ClinGen allele CA382515159.
Genomic context (GRCh38, chr11:108,272,564, plus strand): 5'-TAACTTTGGAAAACTTACTTGATTTCAGGCATCTAACAAAGGAGAGGAAATATATATTCT[C>A]TGTAAGAATGGCCCTAGTAAATTGCCTTAAAACTTTGCTTGAGGTGAGTTTTTGCATTTT-3'
Protein context (NP_000042.3, residues 1027-1047): HLTKERKYIF[Ser1037Tyr]VRMALVNCLK